The following is an entry in ClinVar:

ClinVar aggregate classification (germline): Likely benign (1 of 4 stars; one submission).

Allele frequency attached by ClinVar (database versions not stated): 1000 Genomes Project 0.00120; 1000 Genomes Project 30x 0.00125; ESP Exome Variant Server 0.00319; ExAC 0.00422.
gnomAD v4.1: 5,825 of 1,613,910 alleles (0.36%); highest among the groups gnomAD compares: Non-Finnish European, 0.37%; 38 homozygotes.

Submission:

CeGaT Center for Human Genetics Tuebingen
Classification: Likely benign. Last evaluated: 2023-07-01. Review status: criteria provided, single submitter. Criteria: CeGaT Center For Human Genetics Tuebingen Variant Classification Criteria Version 2. Collection method: clinical testing. Allele origin: germline. Affected: yes. Observed: 3 variant alleles.
Comment: PHLPP1: BP4, BP7, BS2

NM_194449.4(PHLPP1):c.1923A>C (p.Ser641=)

Gene: PHLPP1 (PH domain and leucine rich repeat protein phosphatase 1; plus strand). Cytogenetic location: 18q21.33.
Variant type: single nucleotide variant.
Coding change: c.1923A>C on transcript NM_194449.4 (MANE Select); coding-DNA position 1923, A replaced by C.
Protein change: p.Ser641=; no amino-acid change (serine 641 retained).
Molecular consequence: synonymous variant.
Genome position (GRCh38, 1-based): chr18:62,860,458, A>C. VCF-style: chr18-62860458-A-C. GRCh37 (hg19) VCF-style: chr18-60527691-A-C.
Identifiers: ClinVar variation 2648791 (VCV002648791.24), dbSNP rs190711929, ClinGen allele CA8984992.